The following is an entry in ClinVar:

NM_001267550.2(TTN):c.10415C>G (p.Ser3472Ter)

Gene: TTN (titin; minus strand). Cytogenetic location: 2q31.2.
Variant type: single nucleotide variant.
Coding change: c.10415C>G on transcript NM_001267550.2 (MANE Select); coding-DNA position 10415, C replaced by G.
Protein change: p.Ser3472Ter; replaces serine 3472 with a stop codon.
Molecular consequence: nonsense. On other transcripts: intron variant (5).
Genome position (GRCh38, 1-based): chr2:178,757,805, G>C on the plus strand (C>G on the coding strand, the complement: TTN is on the minus strand). VCF-style: chr2-178757805-G-C. GRCh37 (hg19) VCF-style: chr2-179622532-G-C.
Other names: c.10277C>G, p.Ser3426Ter (NM_133432.3); c.10165+1179C>G (NM_003319.4); c.10166-1008C>G (NM_133437.4); c.10303+1179C>G (NM_133378.4, NM_001256850.1, NM_133379.5); short protein forms S3472*, S3426*.
Identifiers: ClinVar variation 2056342 (VCV002056342.4), dbSNP rs2531853377, ClinGen allele CA349672460.

ClinVar aggregate classification (germline): Uncertain significance (1 of 4 stars; one submission).

Conditions:
Dilated cardiomyopathy 1G (CMD1G). Identifiers: Orphanet 154, MedGen C1858763, MONDO:0011400, OMIM 604145.
Autosomal recessive limb-girdle muscular dystrophy type 2J (LGMDR10). Also called: Limb-girdle muscular dystrophy, type 2J; MUSCULAR DYSTROPHY, LIMB-GIRDLE, AUTOSOMAL RECESSIVE 10. Identifiers: Orphanet 140922, MedGen C1837342, MONDO:0012127, OMIM 608807.

Submission:

Labcorp Genetics (formerly Invitae), Labcorp
Classification: Uncertain significance for Dilated cardiomyopathy 1G; Autosomal recessive limb-girdle muscular dystrophy type 2J. Last evaluated: 2022-09-23. Review status: criteria provided, single submitter. Criteria: Invitae Variant Classification Sherloc (09022015). Collection method: clinical testing. Allele origin: germline.
Comment: This sequence change creates a premature translational stop signal (p.Ser3472*) in the TTN gene. While this is not anticipated to result in nonsense mediated decay, it is expected to create a truncated TTN protein. This variant is not present in population databases (gnomAD no frequency). This variant has not been reported in the literature in individuals affected with TTN-related conditions. Experimental studies and prediction algorithms are not available or were not evaluated, and the functional significance of this variant is currently unknown. In summary, the available evidence is currently insufficient to determine the role of this variant in disease. Therefore, it has been classified as a Variant of Uncertain Significance. This variant is located in the I band of TTN (PMID: 25589632). Truncating variants in this region have been shown to be highly prevalent in the general population and unaffected individuals (PMID: 26701604, 22335739). However, truncating variants in this region have also been reported in individuals affected with autosomal recessive centronuclear myopathy (PMID: 23975875).

Literature cited by the submitters: PubMed 25589632; PubMed 26701604; PubMed 22335739; PubMed 23975875.